The following is an entry in ClinVar:

ClinVar aggregate classification (germline): Uncertain significance. Review status: criteria provided, multiple submitters, no conflicts (2 of 4 stars). 2 submissions from 2 submitters: Uncertain significance (2). Last evaluated 2024-04-03.

gnomAD v4.1: 4 of 1,613,972 alleles (0.00025%); highest among the groups gnomAD compares: Non-Finnish European, 0.00034%; no homozygotes.

Submissions (2):

Institute of Human Genetics, FAU Erlangen, Friedrich-Alexander-Universität Erlangen-Nürnberg
Classification: Uncertain significance. Last evaluated: 2024-04-03. Review status: criteria provided, single submitter. Criteria: Hauer et al. (Genet Med. 2018). Collection method: clinical testing. Allele origin: germline. Inheritance: Autosomal dominant inheritance. Affected: yes. Observed: 1 variant allele.
Comment: This variant has been identified by standard clinical testing. global developmental delay, autism spectrum disorder Selected ACMG criteria: Likely pathogenic (II):PM2;PS2

GeneDx
Classification: Uncertain significance. Last evaluated: 2023-12-01. Review status: criteria provided, single submitter. Criteria: GeneDx Variant Classification Process June 2021. Collection method: clinical testing. Allele origin: germline. Affected: yes.
Comment: Not observed at significant frequency in large population cohorts (gnomAD); Has not been previously published as pathogenic or benign to our knowledge; Nonsense variant predicted to result in protein truncation or nonsense mediated decay in a gene for which loss-of-function is not an established mechanism of disease

NM_001037333.3(CYFIP2):c.2626C>T (p.Arg876Ter)

Gene: CYFIP2 (cytoplasmic FMR1 interacting protein 2; plus strand). Cytogenetic location: 5q33.3.
Variant type: single nucleotide variant.
Coding change: c.2626C>T on transcript NM_001037333.3 (MANE Select); coding-DNA position 2626, C replaced by T.
Protein change: p.Arg876Ter; replaces arginine 876 with a stop codon.
Molecular consequence: nonsense.
Genome position (GRCh38, 1-based): chr5:157,341,110, C>T. VCF-style: chr5-157341110-C-T. GRCh37 (hg19) VCF-style: chr5-156768118-C-T.
Other names: c.2548C>T, p.Arg850Ter (NM_001291721.2); c.2701C>T, p.Arg901Ter (NM_001291722.2); c.2626C>T, p.Arg876Ter (NM_014376.4); short protein forms R850*, R876*, R901*.
Identifiers: ClinVar variation 3066046 (VCV003066046.2), dbSNP rs767172444, ClinGen allele CA361972872.